The following is an entry in ClinVar:

ClinVar aggregate classification (germline): Uncertain significance (1 of 4 stars; one submission).

Conditions:
Hypertrophic cardiomyopathy 26. Also called: Cardiomyopathy, familial hypertrophic, 26. Identifiers: Orphanet 75249, MedGen C4310749, MONDO:0014883, OMIM 617047.
Myofibrillar myopathy 5. Also called: Filaminopathy (type); FILAMINOPATHY, AUTOSOMAL DOMINANT. Identifiers: Orphanet 171445, MedGen C1836050, MONDO:0012289, OMIM 609524.
Distal myopathy with posterior leg and anterior hand involvement. Also called: WILLIAMS DISTAL MYOPATHY. Identifiers: Orphanet 63273, MedGen C3279722, MONDO:0013550, OMIM 614065.

Submission:

Labcorp Genetics (formerly Invitae), Labcorp
Classification: Uncertain significance for Distal myopathy with posterior leg and anterior hand involvement; Myofibrillar myopathy 5; Hypertrophic cardiomyopathy 26. Last evaluated: 2026-01-18. Review status: criteria provided, single submitter. Criteria: Invitae Variant Classification Sherloc (09022015). Collection method: clinical testing. Allele origin: germline.
Comment: This sequence change replaces isoleucine, which is neutral and non-polar, with phenylalanine, which is neutral and non-polar, at codon 1531 of the FLNC protein (p.Ile1531Phe). This variant is not present in population databases (gnomAD no frequency). This variant has not been reported in the literature in individuals affected with FLNC-related conditions. Invitae Evidence Modeling of protein sequence and biophysical properties (such as structural, functional, and spatial information, amino acid conservation, physicochemical variation, residue mobility, and thermodynamic stability) has been performed for this missense variant. However, the output from this modeling did not meet the statistical confidence thresholds required to predict the impact of this variant on FLNC protein function. In summary, the available evidence is currently insufficient to determine the role of this variant in disease. Therefore, it has been classified as a Variant of Uncertain Significance.

NM_001458.5(FLNC):c.4591A>T (p.Ile1531Phe)

Gene: FLNC (filamin C; plus strand). Cytogenetic location: 7q32.1.
Variant type: single nucleotide variant.
Coding change: c.4591A>T on transcript NM_001458.5 (MANE Select); coding-DNA position 4591, A replaced by T.
Protein change: p.Ile1531Phe; replaces isoleucine 1531 with phenylalanine.
Molecular consequence: missense variant.
Genome position (GRCh38, 1-based): chr7:128,848,571, A>T. VCF-style: chr7-128848571-A-T. GRCh37 (hg19) VCF-style: chr7-128488625-A-T.
Other names: c.4591A>T, p.Ile1531Phe (NM_001127487.2); short protein forms I1531F.
Identifiers: ClinVar variation 4812805 (VCV004812805.1).